The following is an entry in ClinVar:

ClinVar aggregate classification (germline): Uncertain significance (1 of 4 stars; one submission).

Conditions:
Syndromic multisystem autoimmune disease due to ITCH deficiency. Also called: AUTOIMMUNE DISEASE, MULTISYSTEM, WITH FACIAL DYSMORPHISM. Identifiers: MedGen C3150649, MONDO:0013245, OMIM 613385, Orphanet 228426.

Allele frequency attached by ClinVar (database versions not stated): gnomAD exomes below 0.00001; gnomAD 0.00001; TOPMed 0.00002; ESP Exome Variant Server 0.00008.
gnomAD v4.1: 3 of 1,613,844 alleles (0.00019%); highest among the groups gnomAD compares: African/African-American, 0.004%; no homozygotes.

Submission:

Labcorp Genetics (formerly Invitae), Labcorp
Classification: Uncertain significance for Syndromic multisystem autoimmune disease due to ITCH deficiency. Last evaluated: 2022-03-02. Review status: criteria provided, single submitter. Criteria: Invitae Variant Classification Sherloc (09022015). Collection method: clinical testing. Allele origin: germline.
Comment: Algorithms developed to predict the effect of missense changes on protein structure and function output the following: SIFT: "Not Available"; PolyPhen-2: "Benign"; Align-GVGD: "Not Available". The valine amino acid residue is found in multiple mammalian species, which suggests that this missense change does not adversely affect protein function. In summary, the available evidence is currently insufficient to determine the role of this variant in disease. Therefore, it has been classified as a Variant of Uncertain Significance. This sequence change replaces glycine with valine at codon 189 of the ITCH protein (p.Gly189Val). The glycine residue is weakly conserved and there is a moderate physicochemical difference between glycine and valine. This variant is present in population databases (rs368544131, gnomAD 0.008%). This variant has not been reported in the literature in individuals affected with ITCH-related conditions.

NM_031483.7(ITCH):c.566G>T (p.Gly189Val)

Gene: ITCH (itchy E3 ubiquitin protein ligase; plus strand). Cytogenetic location: 20q11.22.
Variant type: single nucleotide variant.
Coding change: c.566G>T on transcript NM_031483.7 (MANE Select); coding-DNA position 566, G replaced by T.
Protein change: p.Gly189Val; replaces glycine 189 with valine.
Molecular consequence: missense variant.
Genome position (GRCh38, 1-based): chr20:34,438,518, G>T. VCF-style: chr20-34438518-G-T. GRCh37 (hg19) VCF-style: chr20-33026323-G-T.
Other names: c.689G>T, p.Gly230Val (NM_001257137.3, NM_001324197.2); c.236G>T, p.Gly79Val (NM_001257138.3); c.566G>T, p.Gly189Val (NM_001324198.2); short protein forms G230V, G79V, G189V.
Identifiers: ClinVar variation 1477021 (VCV001477021.6), dbSNP rs368544131, ClinGen allele CA313377595.